The following is an entry in ClinVar:

ClinVar aggregate classification (germline): Uncertain significance (1 of 4 stars; one submission).

Conditions:
Tuberous sclerosis 2 (TSC2). Identifiers: Orphanet 805, MedGen C1860707, MONDO:0013199, OMIM 613254.

Submission:

Labcorp Genetics (formerly Invitae), Labcorp
Classification: Uncertain significance for Tuberous sclerosis 2. Last evaluated: 2025-10-05. Review status: criteria provided, single submitter. Criteria: Invitae Variant Classification Sherloc (09022015). Collection method: clinical testing. Allele origin: germline.
Comment: This variant, c.5407_5409dup, results in the insertion of 1 amino acid(s) of the TSC2 protein (p.Phe1803dup), but otherwise preserves the integrity of the reading frame. This variant is not present in population databases (gnomAD no frequency). This variant has not been reported in the literature in individuals affected with TSC2-related conditions. In summary, the available evidence is currently insufficient to determine the role of this variant in disease. Therefore, it has been classified as a Variant of Uncertain Significance.

NM_000548.5(TSC2):c.5407_5409dup (p.Phe1803_Thr1804insPhe)

Gene: TSC2 (TSC complex subunit 2; plus strand). Cytogenetic location: 16p13.3.
Variant type: Duplication.
Coding change: c.5407_5409dup on transcript NM_000548.5 (MANE Select); coding-DNA positions 5407 to 5409, 3 bases duplicated (TTC; older notation c.5407_5409dupTTC).
Protein change: p.Phe1803_Thr1804insPhe.
Molecular consequence: inframe insertion. On other transcripts: non-coding transcript variant (5).
Genome position (GRCh38, 1-based): chr16:2,088,593-2,088,595, TTC duplicated; duplicating any 3 consecutive bases within chr16:2,088,592-2,088,595 gives the same sequence; the c. name uses the placement nearest the transcript's 3' end. VCF-style (leftmost placement, unchanged base first): chr16-2088591-A-ACTT. GRCh37 (hg19) VCF-style: chr16-2138592-A-ACTT.
Other names: c.5206_5208dup, p.Phe1736_Thr1737insPhe (NM_001077183.3); c.5338_5340dup, p.Phe1780_Thr1781insPhe (NM_001114382.3); c.5098_5100dup, p.Phe1700_Thr1701insPhe (NM_001318827.2); c.5062_5064dup, p.Phe1688_Thr1689insPhe (NM_001318829.2); c.4675_4677dup, p.Phe1559_Thr1560insPhe (NM_001318831.2); c.5239_5241dup, p.Phe1747_Thr1748insPhe (NM_001318832.2); c.5209_5211dup, p.Phe1737_Thr1738insPhe (NM_001363528.2); c.5275_5277dup, p.Phe1759_Thr1760insPhe (NM_001370404.1); and 27 more.
Identifiers: ClinVar variation 4728467 (VCV004728467.1).